The following is an entry in ClinVar:

NM_001291303.3(FAT4):c.13274G>A (p.Arg4425Lys)

Gene: FAT4 (FAT atypical cadherin 4; plus strand). Cytogenetic location: 4q28.1.
Variant type: single nucleotide variant.
Coding change: c.13274G>A on transcript NM_001291303.3 (MANE Select); coding-DNA position 13274, G replaced by A.
Protein change: p.Arg4425Lys; replaces arginine 4425 with lysine.
Molecular consequence: missense variant.
Genome position (GRCh38, 1-based): chr4:125,490,090, G>A. VCF-style: chr4-125490090-G-A. GRCh37 (hg19) VCF-style: chr4-126411245-G-A.
Other names: c.13271G>A, p.Arg4424Lys (NM_001291285.3); c.13268G>A, p.Arg4423Lys (NM_024582.6); short protein forms R4424K, R4423K, R4425K.
Identifiers: ClinVar variation 2101866 (VCV002101866.4), dbSNP rs2530081007, ClinGen allele CA358136045.

ClinVar aggregate classification (germline): Uncertain significance (1 of 4 stars; one submission).

Submission:

Labcorp Genetics (formerly Invitae), Labcorp
Classification: Uncertain significance. Last evaluated: 2024-10-15. Review status: criteria provided, single submitter. Criteria: Invitae Variant Classification Sherloc (09022015). Collection method: clinical testing. Allele origin: germline.
Comment: This sequence change replaces arginine, which is basic and polar, with lysine, which is basic and polar, at codon 4423 of the FAT4 protein (p.Arg4423Lys). This variant is not present in population databases (gnomAD no frequency). This variant has not been reported in the literature in individuals affected with FAT4-related conditions. ClinVar contains an entry for this variant (Variation ID: 2101866). Invitae Evidence Modeling of protein sequence and biophysical properties (such as structural, functional, and spatial information, amino acid conservation, physicochemical variation, residue mobility, and thermodynamic stability) indicates that this missense variant is not expected to disrupt FAT4 protein function with a negative predictive value of 95%. In summary, the available evidence is currently insufficient to determine the role of this variant in disease. Therefore, it has been classified as a Variant of Uncertain Significance.